The following is an entry in ClinVar:

NM_005559.4(LAMA1):c.6774G>A (p.Lys2258=)

Gene: LAMA1 (laminin subunit alpha 1; minus strand). Cytogenetic location: 18p11.31.
Variant type: single nucleotide variant.
Coding change: c.6774G>A on transcript NM_005559.4 (MANE Select); coding-DNA position 6774, G replaced by A.
Protein change: p.Lys2258=; no amino-acid change (lysine 2258 retained).
Molecular consequence: synonymous variant.
Genome position (GRCh38, 1-based): chr18:6,973,057, C>T on the plus strand (G>A on the coding strand, the complement: LAMA1 is on the minus strand). VCF-style: chr18-6973057-C-T. GRCh37 (hg19) VCF-style: chr18-6973056-C-T.
Identifiers: ClinVar variation 1916345 (VCV001916345.5), dbSNP rs2510835337, ClinGen allele CA502468664.

ClinVar aggregate classification (germline): Conflicting classifications of pathogenicity. Review status: criteria provided, conflicting classifications (1 of 4 stars). 2 submissions from 2 submitters: Likely pathogenic (1); Uncertain significance (1). Last evaluated 2026-02-09.

Conditions:
Ataxia - intellectual disability - oculomotor apraxia - cerebellar cysts syndrome. Also called: Poretti-Boltshauser syndrome. Identifiers: Orphanet 370022, MedGen C4014821, MONDO:0014419, OMIM 615960.

Submissions (2):

Clinical Genetics and Genomics, Karolinska University Hospital
Classification: Likely pathogenic for Ataxia - intellectual disability - oculomotor apraxia - cerebellar cysts syndrome. Last evaluated: 2026-02-09. Review status: criteria provided, single submitter. Criteria: ACMG Guidelines, 2015. Collection method: clinical testing. Allele origin: germline. Inheritance: Autosomal recessive inheritance. Affected: yes.

Labcorp Genetics (formerly Invitae), Labcorp
Classification: Uncertain significance. Last evaluated: 2022-08-09. Review status: criteria provided, single submitter. Criteria: Invitae Variant Classification Sherloc (09022015). Collection method: clinical testing. Allele origin: germline.
Comment: In summary, the available evidence is currently insufficient to determine the role of this variant in disease. Therefore, it has been classified as a Variant of Uncertain Significance. Variants that disrupt the consensus splice site are a relatively common cause of aberrant splicing (PMID: 17576681, 9536098). Algorithms developed to predict the effect of sequence changes on RNA splicing suggest that this variant may disrupt the consensus splice site. This variant has not been reported in the literature in individuals affected with LAMA1-related conditions. This variant is not present in population databases (gnomAD no frequency). This sequence change affects codon 2258 of the LAMA1 mRNA. It is a 'silent' change, meaning that it does not change the encoded amino acid sequence of the LAMA1 protein. This variant also falls at the last nucleotide of exon 47, which is part of the consensus splice site for this exon.

Literature cited by the submitters: PubMed 17576681 (cited by Labcorp Genetics (formerly Invitae), Labcorp); PubMed 9536098 (cited by Labcorp Genetics (formerly Invitae), Labcorp).